The following is an entry in ClinVar:

ClinVar aggregate classification (germline): Uncertain significance (1 of 4 stars; one submission).

Conditions:
Inflammatory bowel disease 25. Also called: Inflammatory bowel disease 25, early onset, autosomal recessive. Identifiers: Orphanet 238569, MedGen C2675508, MONDO:0012941, OMIM 612567.

Allele frequency attached by ClinVar (database versions not stated): gnomAD exomes 0.00001.
gnomAD v4.1: 5 of 1,614,170 alleles (0.00031%); highest among the groups gnomAD compares: Non-Finnish European, 0.00042%; no homozygotes.

Submission:

Labcorp Genetics (formerly Invitae), Labcorp
Classification: Uncertain significance for Inflammatory bowel disease 25. Last evaluated: 2021-09-01. Review status: criteria provided, single submitter. Criteria: Invitae Variant Classification Sherloc (09022015). Collection method: clinical testing. Allele origin: germline.
Comment: This sequence change replaces phenylalanine with serine at codon 280 of the IL10RB protein (p.Phe280Ser). The phenylalanine residue is weakly conserved and there is a large physicochemical difference between phenylalanine and serine. This variant is not present in population databases (ExAC no frequency). This variant has not been reported in the literature in individuals affected with IL10RB-related conditions. Algorithms developed to predict the effect of missense changes on protein structure and function are either unavailable or do not agree on the potential impact of this missense change (SIFT: "Deleterious"; PolyPhen-2: "Possibly Damaging"; Align-GVGD: "Class C0"). In summary, the available evidence is currently insufficient to determine the role of this variant in disease. Therefore, it has been classified as a Variant of Uncertain Significance.

NM_000628.5(IL10RB):c.839T>C (p.Phe280Ser)

Genes: IFNAR2-IL10RB (IFNAR2-IL10RB readthrough; plus strand), IL10RB (interleukin 10 receptor subunit beta; plus strand). Cytogenetic location: 21q22.11.
Variant type: single nucleotide variant.
Coding change: c.839T>C on transcript NM_000628.5 (MANE Select); coding-DNA position 839, T replaced by C.
Protein change: p.Phe280Ser; replaces phenylalanine 280 with serine.
Molecular consequence: missense variant.
Genome position (GRCh38, 1-based): chr21:33,296,218, T>C. VCF-style: chr21-33296218-T-C. GRCh37 (hg19) VCF-style: chr21-34668523-T-C.
Other names: short protein forms F280S.
Identifiers: ClinVar variation 859163 (VCV000859163.7), dbSNP rs2082965278, ClinGen allele CA410096207.
Genomic context (GRCh38, chr21:33,296,218, plus strand): 5'-ATTAACTGTCCTCTTTCCCTCCACAGTTTTTGGGCCATCCTCATCATAACACACTTCTGT[T>C]TTTCTCCTTTCCATTGTCGGATGAGAATGATGTTTTTGACAAGCTAAGTGTCATTGCAGA-3'
Protein context (NP_000619.3, residues 270-290): LGHPHHNTLL[Phe280Ser]FSFPLSDEND